The following is an entry in ClinVar:

ClinVar aggregate classification (germline): Uncertain significance (1 of 4 stars; one submission).

Conditions:
Oligodontia-cancer predisposition syndrome. Also called: TOOTH AGENESIS-COLORECTAL CANCER SYNDROME. Identifiers: Orphanet 300576, MedGen C1837750, MONDO:0012075, OMIM 608615. Disease mechanism: loss of function.

Submission:

Labcorp Genetics (formerly Invitae), Labcorp
Classification: Uncertain significance for Oligodontia-cancer predisposition syndrome. Last evaluated: 2024-03-09. Review status: criteria provided, single submitter. Criteria: Invitae Variant Classification Sherloc (09022015). Collection method: clinical testing. Allele origin: germline.
Comment: This sequence change replaces alanine, which is neutral and non-polar, with proline, which is neutral and non-polar, at codon 758 of the AXIN2 protein (p.Ala758Pro). This variant is not present in population databases (gnomAD no frequency). This variant has not been reported in the literature in individuals affected with AXIN2-related conditions. ClinVar contains an entry for this variant (Variation ID: 946286). Advanced modeling of protein sequence and biophysical properties (such as structural, functional, and spatial information, amino acid conservation, physicochemical variation, residue mobility, and thermodynamic stability) performed at Invitae indicates that this missense variant is not expected to disrupt AXIN2 protein function with a negative predictive value of 80%. In summary, the available evidence is currently insufficient to determine the role of this variant in disease. Therefore, it has been classified as a Variant of Uncertain Significance.

NM_004655.4(AXIN2):c.2272G>C (p.Ala758Pro)

Gene: AXIN2 (axin 2; minus strand). Cytogenetic location: 17q24.1.
Variant type: single nucleotide variant.
Coding change: c.2272G>C on transcript NM_004655.4 (MANE Select); coding-DNA position 2272, G replaced by C.
Protein change: p.Ala758Pro; replaces alanine 758 with proline.
Molecular consequence: missense variant.
Genome position (GRCh38, 1-based): chr17:65,534,045, C>G on the plus strand (G>C on the coding strand, the complement: AXIN2 is on the minus strand). VCF-style: chr17-65534045-C-G. GRCh37 (hg19) VCF-style: chr17-63530163-C-G.
Other names: c.2077G>C, p.Ala693Pro (NM_001363813.1); short protein forms A693P, A758P.
Identifiers: ClinVar variation 946286 (VCV000946286.9), dbSNP rs145007501, ClinGen allele CA400675612.